The following is an entry in ClinVar:

NM_000116.5(TAFAZZIN):c.580dup (p.Trp194fs)

Gene: TAFAZZIN (tafazzin, phospholipid-lysophospholipid transacylase; plus strand). Cytogenetic location: Xq28.
Variant type: Duplication.
Coding change: c.580dup on transcript NM_000116.5 (MANE Select); coding-DNA position 580, one base duplicated (T; older notation c.580dupT).
Protein change: p.Trp194fs; shifts the reading frame from tryptophan 194.
Molecular consequence: frameshift variant. On other transcripts: non-coding transcript variant (1), intron variant (3).
Genome position (GRCh38, 1-based): chrX:154,419,743, T duplicated. VCF-style (leftmost placement, unchanged base first): chrX-154419742-G-GT. GRCh37 (hg19) VCF-style: chrX-153648081-G-GT.
Other names: c.490dup, p.Trp164fs (NM_181311.4); c.595+120dup (NM_001303465.2); c.541+120dup (NM_181312.4); c.451+120dup (NM_181313.4); short protein forms W164fs, W194fs.
Identifiers: ClinVar variation 11103 (VCV000011103.4), dbSNP rs2148211636, ClinGen allele CA2573050724.

ClinVar aggregate classification (germline): Pathogenic. Review status: criteria provided, single submitter (1 of 4 stars). 2 submissions from 2 submitters: Pathogenic (1). 1 of the submissions does not count toward it. Last evaluated 2022-02-02.

Conditions:
3-Methylglutaconic aciduria type 2 (BTHS). Also called: Barth syndrome; CARDIOSKELETAL MYOPATHY WITH NEUTROPENIA AND ABNORMAL MITOCHONDRIA. Identifiers: Orphanet 111, MedGen C0574083, MONDO:0010543, OMIM 302060.

Submissions (2):

Victorian Clinical Genetics Services, Murdoch Childrens Research Institute
Classification: Pathogenic for 3-Methylglutaconic aciduria type 2. Last evaluated: 2022-02-02. Review status: criteria provided, single submitter. Criteria: ACMG Guidelines, 2015. Collection method: clinical testing. Allele origin: germline. Inheritance: X-linked recessive inheritance.
Comment: Based on the classification scheme VCGS_Germline_v1.3.4, this variant is classified as Pathogenic. Following criteria are met: 0102 - Loss of function is a known mechanism of disease in this gene and is associated with Barth syndrome (MIM#302060). (I) 0109 - This gene is associated with X-linked recessive disease. Typically female carriers do not manifest disease due to skewed X-inactivation of the mutant allele. However, affected females have been reported either due to biallelic mutation or monoallelic with skewed X-inactivation of the wild type allele (GeneReviews). (I) 0115 - Variants in this gene are known to have variable expressivity with intrafamilial variability (OMIM). (I) 0202 - Variant is predicted to cause nonsense-mediated decay (NMD) and loss of protein (premature termination codon is located at least 54 nucleotides upstream of the final exon-exon junction), but is located in an exon that may undergo alternative splicing. (SP) 0219 - This variant is non-coding in alternative transcripts, but is coding in the ClinVar predominant transcript. (I) 0253 - This variant is hemizygous. (I) 0301 - Variant is absent from gnomAD (both v2 and v3). (SP) 0701 - Other NMD predicted variants comparable to the one identified in this case have very strong previous evidence for pathogenicity (DECIPHER). (SP) 0807 - This variant has no previous evidence of pathogenicity. It has been previously reported in this same family by Bione, S. et al. (PMID:8630491). (I) 0903 - This variant has limited evidence for segregation with disease. (SP) 1007 - No published functional evidence has been identified for this variant. (I) 1208 - Inheritance information for this variant is not currently available in this individual. (I) Legend: (SP) - Supporting pathogenic, (I) - Information, (SB) - Supporting benign

OMIM
Classification: Pathogenic for BARTH SYNDROME. Last evaluated: 1996-04-01. Review status: no assertion criteria provided. Collection method: literature only. Allele origin: germline. Not counted in ClinVar's aggregate classification.

Literature cited by the submitters: PubMed 8630491 (cited by Victorian Clinical Genetics Services, Murdoch Childrens Research Institute and OMIM); PubMed 8434619 (cited by OMIM).